The following is an entry in ClinVar:

NM_003265.3(TLR3):c.441+1G>T

Gene: TLR3 (toll like receptor 3; plus strand). Cytogenetic location: 4q35.1.
Variant type: single nucleotide variant.
Coding change: c.441+1G>T on transcript NM_003265.3 (MANE Select); the canonical splice donor site of the intron after coding-DNA position 441, G replaced by T.
Molecular consequence: splice donor variant.
Genome position (GRCh38, 1-based): chr4:186,077,061, G>T. VCF-style: chr4-186077061-G-T. GRCh37 (hg19) VCF-style: chr4-186998215-G-T.
Identifiers: ClinVar variation 2751977 (VCV002751977.3), dbSNP rs2099302567, ClinGen allele CA359108058.

ClinVar aggregate classification (germline): Uncertain significance (1 of 4 stars; one submission).

Conditions:
Encephalopathy, acute, infection-induced (herpes-specific), susceptibility to, 1. Also called: Herpes simplex encephalitis, susceptibility to, 1. Identifiers: Orphanet 1930, MedGen C2750180, MONDO:0024563, OMIM 610551.

gnomAD v4.1: 1 of 1,613,032 alleles (0.000062%); no homozygotes.

Submission:

Labcorp Genetics (formerly Invitae), Labcorp
Classification: Uncertain significance for Encephalopathy, acute, infection-induced (herpes-specific), susceptibility to, 1. Last evaluated: 2023-06-14. Review status: criteria provided, single submitter. Criteria: Invitae Variant Classification Sherloc (09022015). Collection method: clinical testing. Allele origin: germline.
Comment: This variant is not present in population databases (gnomAD no frequency). This sequence change affects a donor splice site in intron 2 of the TLR3 gene. It is expected to disrupt RNA splicing. Variants that disrupt the donor or acceptor splice site typically lead to a loss of protein function (PMID: 16199547), however the current clinical and genetic evidence is not sufficient to establish whether loss-of-function variants in TLR3 cause disease. This variant has not been reported in the literature in individuals affected with TLR3-related conditions. Algorithms developed to predict the effect of sequence changes on RNA splicing suggest that this variant may disrupt the consensus splice site. In summary, the available evidence is currently insufficient to determine the role of this variant in disease. Therefore, it has been classified as a Variant of Uncertain Significance.

Literature cited by the submitters: PubMed 16199547.